The following is an entry in ClinVar:

ClinVar aggregate classification (germline): Uncertain significance. Review status: criteria provided, multiple submitters, no conflicts (2 of 4 stars). 3 submissions from 3 submitters: Uncertain significance (3). Last evaluated 2026-06-10.

Conditions:
LMNB2-related disorder. Also called: LMNB2-related condition.
Progressive myoclonic epilepsy type 9. Identifiers: Orphanet 457265, MedGen C4225289, MONDO:0014685, OMIM 616540.
Lipodystrophy, partial, acquired, susceptibility to (APLD). Also called: APLD, SUSCEPTIBILITY TO. Identifiers: MedGen C3887501, MONDO:0100476, OMIM 608709.

Allele frequency attached by ClinVar (database versions not stated): ExAC 0.00001.
gnomAD v4.1: 7 of 1,613,908 alleles (0.00043%); highest among the groups gnomAD compares: Admixed American, 0.0017%; no homozygotes.

Submissions (3):

PreventionGenetics, part of Exact Sciences
Classification: Uncertain significance for LMNB2-related condition. Last evaluated: 2026-06-10. Review status: criteria provided, single submitter. Criteria: ACMG Guidelines, 2015. Collection method: clinical testing. Allele origin: germline.
Comment: The LMNB2 c.1699G>A variant is predicted to result in the amino acid substitution p.Ala567Thr. To our knowledge, this variant has not been reported in the literature. This variant is reported in 0.0029% of alleles in individuals of Latino descent in gnomAD. At this time, the clinical significance of this variant is uncertain due to the absence of conclusive functional and genetic evidence.

Labcorp Genetics (formerly Invitae), Labcorp
Classification: Uncertain significance for Progressive myoclonic epilepsy type 9; Lipodystrophy, partial, acquired, susceptibility to. Last evaluated: 2023-11-14. Review status: criteria provided, single submitter. Criteria: Invitae Variant Classification Sherloc (09022015). Collection method: clinical testing. Allele origin: germline.
Comment: This sequence change replaces alanine, which is neutral and non-polar, with threonine, which is neutral and polar, at codon 567 of the LMNB2 protein (p.Ala567Thr). This variant is present in population databases (rs760189690, gnomAD 0.003%). This variant has not been reported in the literature in individuals affected with LMNB2-related conditions. ClinVar contains an entry for this variant (Variation ID: 435781). Advanced modeling of protein sequence and biophysical properties (such as structural, functional, and spatial information, amino acid conservation, physicochemical variation, residue mobility, and thermodynamic stability) performed at Invitae indicates that this missense variant is not expected to disrupt LMNB2 protein function with a negative predictive value of 80%. In summary, the available evidence is currently insufficient to determine the role of this variant in disease. Therefore, it has been classified as a Variant of Uncertain Significance.

Genetic Services Laboratory, University of Chicago
Classification: Uncertain significance. Last evaluated: 2016-11-29. Review status: criteria provided, single submitter. Criteria: ACMG Guidelines, 2015. Collection method: clinical testing. Allele origin: germline. Affected: no.

NM_032737.4(LMNB2):c.1699G>A (p.Ala567Thr)

Gene: LMNB2 (lamin B2; minus strand). Cytogenetic location: 19p13.3.
Variant type: single nucleotide variant.
Coding change: c.1699G>A on transcript NM_032737.4 (MANE Select); coding-DNA position 1699, G replaced by A.
Protein change: p.Ala567Thr; replaces alanine 567 with threonine.
Molecular consequence: missense variant.
Genome position (GRCh38, 1-based): chr19:2,431,794, C>T on the plus strand (G>A on the coding strand, the complement: LMNB2 is on the minus strand). VCF-style: chr19-2431794-C-T. GRCh37 (hg19) VCF-style: chr19-2431792-C-T.
Other names: short protein forms A567T.
Identifiers: ClinVar variation 435781 (VCV000435781.14), dbSNP rs760189690, ClinGen allele CA9067371.